The following is an entry in ClinVar:

ClinVar aggregate classification (germline): Uncertain significance (1 of 4 stars; one submission).

Allele frequency attached by ClinVar (database versions not stated): gnomAD exomes below 0.00001; TOPMed below 0.00001; gnomAD 0.00001.
gnomAD v4.1: 3 of 1,613,678 alleles (0.00019%); highest among the groups gnomAD compares: Non-Finnish European, 0.00017%; no homozygotes.

Submission:

Labcorp Genetics (formerly Invitae), Labcorp
Classification: Uncertain significance. Last evaluated: 2023-12-13. Review status: criteria provided, single submitter. Criteria: Invitae Variant Classification Sherloc (09022015). Collection method: clinical testing. Allele origin: germline.
Comment: This sequence change replaces lysine, which is basic and polar, with arginine, which is basic and polar, at codon 753 of the SETD5 protein (p.Lys753Arg). This variant is present in population databases (no rsID available, gnomAD 0.0009%). This variant has not been reported in the literature in individuals affected with SETD5-related conditions. Advanced modeling of protein sequence and biophysical properties (such as structural, functional, and spatial information, amino acid conservation, physicochemical variation, residue mobility, and thermodynamic stability) performed at Invitae indicates that this missense variant is not expected to disrupt SETD5 protein function with a negative predictive value of 80%. In summary, the available evidence is currently insufficient to determine the role of this variant in disease. Therefore, it has been classified as a Variant of Uncertain Significance.

NM_001080517.3(SETD5):c.2258A>G (p.Lys753Arg)

Gene: SETD5 (SET domain containing 5; plus strand). Cytogenetic location: 3p25.3.
Variant type: single nucleotide variant.
Coding change: c.2258A>G on transcript NM_001080517.3 (MANE Select); coding-DNA position 2258, A replaced by G.
Protein change: p.Lys753Arg; replaces lysine 753 with arginine.
Molecular consequence: missense variant.
Genome position (GRCh38, 1-based): chr3:9,448,542, A>G. VCF-style: chr3-9448542-A-G. GRCh37 (hg19) VCF-style: chr3-9490226-A-G.
Other names: c.1964A>G, p.Lys655Arg (NM_001292043.2, NM_001349451.2); short protein forms K655R, K753R.
Identifiers: ClinVar variation 2780147 (VCV002780147.3), dbSNP rs1215926746, ClinGen allele CA351701553.